The following is an entry in ClinVar:

ClinVar aggregate classification (germline): Uncertain significance (1 of 4 stars; one submission).

Allele frequency attached by ClinVar (database versions not stated): gnomAD exomes below 0.00001.
gnomAD v4.1: 1 of 1,607,820 alleles (0.000062%); highest among the groups gnomAD compares: Non-Finnish European, 0.000085%; no homozygotes.

Submission:

Ambry Genetics
Classification: Uncertain significance. Last evaluated: 2024-05-04. Review status: criteria provided, single submitter. Criteria: Ambry Variant Classification Scheme 2023. Collection method: clinical testing. Allele origin: germline.
Comment: The p.T626I variant (also known as c.1877C>T), located in coding exon 17 of the RAD54L gene, results from a C to T substitution at nucleotide position 1877. The threonine at codon 626 is replaced by isoleucine, an amino acid with similar properties. This amino acid position is conserved. In addition, this alteration is predicted to be deleterious by in silico analysis. Since supporting evidence is limited at this time, the clinical significance of this alteration remains unclear.

NM_003579.4(RAD54L):c.1877C>T (p.Thr626Ile)

Genes: LRRC41 (leucine rich repeat containing 41; minus strand), RAD54L (RAD54 like; plus strand). Cytogenetic location: 1p34.1.
Variant type: single nucleotide variant.
Coding change: c.1877C>T on transcript NM_003579.4 (MANE Select); coding-DNA position 1877, C replaced by T.
Protein change: p.Thr626Ile; replaces threonine 626 with isoleucine.
Molecular consequence: missense variant. On other transcripts: 3 prime UTR variant (1).
Genome position (GRCh38, 1-based): chr1:46,277,824, C>T. VCF-style: chr1-46277824-C-T. GRCh37 (hg19) VCF-style: chr1-46743496-C-T.
Other names: c.*1041G>A (NM_006369.5); c.1877C>T, p.Thr626Ile (NM_001142548.2); c.1337C>T, p.Thr446Ile (NM_001370766.1); short protein forms T446I, T626I.
Identifiers: ClinVar variation 1781797 (VCV001781797.3), dbSNP rs984975733, ClinGen allele CA21899885.